The following is an entry in ClinVar:

ClinVar aggregate classification (germline): Likely benign (1 of 4 stars; one submission).

gnomAD v4.1: 10 of 1,610,010 alleles (0.00062%); highest among the groups gnomAD compares: Non-Finnish European, 0.00085%; no homozygotes.

Submission:

CeGaT Center for Human Genetics Tuebingen
Classification: Likely benign. Last evaluated: 2024-12-01. Review status: criteria provided, single submitter. Criteria: CeGaT Center For Human Genetics Tuebingen Variant Classification Criteria Version 2. Collection method: clinical testing. Allele origin: germline. Affected: yes. Observed: 1 variant allele.
Comment: BICRA: BP1

NM_001394372.1(BICRA):c.1599C>G (p.His533Gln)

Gene: BICRA (BRD4 interacting chromatin remodeling complex associated protein; plus strand). Cytogenetic location: 19q13.33.
Variant type: single nucleotide variant.
Coding change: c.1599C>G on transcript NM_001394372.1 (MANE Select); coding-DNA position 1599, C replaced by G.
Protein change: p.His533Gln; replaces histidine 533 with glutamine.
Molecular consequence: missense variant.
Genome position (GRCh38, 1-based): chr19:47,680,769, C>G. VCF-style: chr19-47680769-C-G. GRCh37 (hg19) VCF-style: chr19-48184026-C-G.
Other names: c.1599C>G, p.His533Gln (NM_015711.3); short protein forms H533Q.
Identifiers: ClinVar variation 3772146 (VCV003772146.13).
Genomic context (GRCh38, chr19:47,680,769, plus strand): 5'-CATCCTCACAAACCAGAACCTGGCGGGCCCACTGAGCCTGGGCCCCGTGTTGGCCCCCCA[C>G]TCCGGGGCCCACAGCGCGCACATCCTCTCCGCCGCTCCCATCCAGGTGGGCCAGCCTGCG-3'
Protein context (NP_001381301.1, residues 523-543): PLSLGPVLAP[His533Gln]SGAHSAHILS